The following is an entry in ClinVar:

NM_000548.5(TSC2):c.1025_1027del (p.Ile342del)

Gene: TSC2 (TSC complex subunit 2; plus strand). Cytogenetic location: 16p13.3.
Variant type: Deletion.
Coding change: c.1025_1027del on transcript NM_000548.5 (MANE Select); coding-DNA positions 1025 to 1027, 3 bases deleted (TCA; older notation c.1025_1027delTCA).
Protein change: p.Ile342del; deletes isoleucine 342.
Molecular consequence: inframe deletion.
Genome position (GRCh38, 1-based): chr16:2,060,719-2,060,721, TCA deleted; deleting any 3 consecutive bases within chr16:2,060,717-2,060,721 gives the same sequence; the c. name uses the placement nearest the transcript's 3' end. VCF-style (leftmost placement, unchanged base first): chr16-2060716-CCAT-C. GRCh37 (hg19) VCF-style: chr16-2110717-CCAT-C.
Other names: c.1025_1027del, p.Ile342del (NM_001077183.3, NM_001114382.3, NM_001363528.2 and 3 more transcripts); c.914_916del, p.Ile305del (NM_001318827.2); c.878_880del, p.Ile293del (NM_001318829.2); c.425_427del, p.Ile142del (NM_001318831.2); c.1058_1060del, p.Ile353del (NM_001318832.2); short protein forms I142del, I293del, I305del, I342del, I353del.
Identifiers: ClinVar variation 1006267 (VCV001006267.6), dbSNP rs2086525255, ClinGen allele CA2202007955.

ClinVar aggregate classification (germline): Uncertain significance (1 of 4 stars; one submission).

Conditions:
Tuberous sclerosis 2 (TSC2). Identifiers: Orphanet 805, MedGen C1860707, MONDO:0013199, OMIM 613254.

Submission:

Labcorp Genetics (formerly Invitae), Labcorp
Classification: Uncertain significance for Tuberous sclerosis 2. Last evaluated: 2016-03-18. Review status: criteria provided, single submitter. Criteria: Invitae Variant Classification Sherloc (09022015). Collection method: clinical testing. Allele origin: germline.
Comment: In summary, this is a novel in-frame loss of one amino acid residue with uncertain impact on protein function. It has been classified as a Variant of Uncertain Significance. This variant is not present in population databases (ExAC no frequency) and has not been reported in the literature in individuals with a TSC2-related disease. This sequence change deletes 3 nucleotides from exon 11 of the TSC2 mRNA (c.1025_1027delTCA). This leads to the deletion of 1 amino acid residue(s) in the TSC2 protein (p.Ile342del) but otherwise preserves the integrity of the reading frame.